The following is an entry in ClinVar:

ClinVar aggregate classification (germline): Conflicting classifications of pathogenicity. Review status: criteria provided, conflicting classifications (1 of 4 stars). 4 submissions from 4 submitters: Uncertain significance (2); Likely benign (1). 1 of the submissions does not count toward it. Last evaluated 2025-07-16.

Conditions:
Neurodevelopmental disorder with cataracts, poor growth, and dysmorphic facies. Identifiers: MedGen C5231414, MONDO:0032817, OMIM 618571.
Inborn genetic diseases. Identifiers: MedGen C0950123, MeSH D030342.
INTS1-related disorder. Also called: INTS1-related condition.

Allele frequency attached by ClinVar (database versions not stated): ExAC 0.00037; 1000 Genomes Project 30x 0.00094; 1000 Genomes Project 0.00120.

Submissions (4):

Ambry Genetics
Classification: Likely benign for Inborn genetic diseases. Last evaluated: 2025-07-16. Review status: criteria provided, single submitter. Criteria: Ambry Variant Classification Scheme 2023. Collection method: clinical testing. Allele origin: germline.

GeneDx
Classification: Uncertain significance. Last evaluated: 2025-05-20. Review status: criteria provided, single submitter. Criteria: GeneDx Variant Classification Process June 2021. Collection method: clinical testing. Allele origin: germline. Affected: yes.
Comment: In silico analysis suggests that this missense variant does not alter protein structure/function; Has not been previously published as pathogenic or benign to our knowledge

Victorian Clinical Genetics Services, Murdoch Childrens Research Institute
Classification: Uncertain significance for Neurodevelopmental disorder with cataracts, poor growth, and dysmorphic facies. Last evaluated: 2022-02-02. Review status: criteria provided, single submitter. Criteria: ACMG Guidelines, 2015. Collection method: clinical testing. Allele origin: germline. Inheritance: Autosomal recessive inheritance. Affected: yes.
Comment: Based on the classification scheme VCGS_Germline_v1.3.4, this variant is classified as VUS-3B. Following criteria are met: 0102 - Loss of function is a known mechanism of disease in this gene and is associated with neurodevelopmental disorder with cataracts, poor growth, and dysmorphic facies (MIM#618571). (I) 0106 - This gene is associated with autosomal recessive disease. (I) 0200 - Variant is predicted to result in a missense amino acid change from phenylalanine to leucine. (I) 0251 - This variant is heterozygous. (I) 0304 - Variant is present in gnomAD (v2) <0.01 for a recessive condition (80 heterozygotes, 0 homozygotes). (SP) 0504 - Same amino acid change has been observed in placental mammals. (SB) 0604 - Variant is not located in an established domain, motif, hotspot or informative constraint region. (I) 0705 - No comparable missense variants have previous evidence for pathogenicity. (I) 0807 - This variant has no previous evidence of pathogenicity. (I) 0905 - No published segregation evidence has been identified for this variant. (I) 1007 - No published functional evidence has been identified for this variant. (I) 1201 - Heterozygous variant detected in trans with a second pathogenic heterozygous variant (p.(Arg1858*)) in a recessive disease. (I) Legend: (SP) - Supporting pathogenic, (I) - Information, (SB) - Supporting benign

PreventionGenetics, part of Exact Sciences
Classification: Likely benign for INTS1-related condition. Last evaluated: 2022-03-31. Review status: no assertion criteria provided. Collection method: clinical testing. Allele origin: germline. Not counted in ClinVar's aggregate classification.
Comment: This variant is classified as likely benign based on ACMG/AMP sequence variant interpretation guidelines (Richards et al. 2015 PMID: 25741868, with internal and published modifications).

NM_001080453.3(INTS1):c.5970C>G (p.Phe1990Leu)

Gene: INTS1 (integrator complex subunit 1; minus strand). Cytogenetic location: 7p22.3.
Variant type: single nucleotide variant.
Coding change: c.5970C>G on transcript NM_001080453.3 (MANE Select); coding-DNA position 5970, C replaced by G.
Protein change: p.Phe1990Leu; replaces phenylalanine 1990 with leucine.
Molecular consequence: missense variant.
Genome position (GRCh38, 1-based): chr7:1,473,172, G>C on the plus strand (C>G on the coding strand, the complement: INTS1 is on the minus strand). VCF-style: chr7-1473172-G-C. GRCh37 (hg19) VCF-style: chr7-1512808-G-C.
Other names: short protein forms F1990L.
Identifiers: ClinVar variation 1699198 (VCV001699198.7), dbSNP rs138397380, ClinGen allele CA4118172.